The following is an entry in ClinVar:

NM_000548.5(TSC2):c.3599G>A (p.Arg1200Gln)

Gene: TSC2 (TSC complex subunit 2; plus strand). Cytogenetic location: 16p13.3.
Variant type: single nucleotide variant.
Coding change: c.3599G>A on transcript NM_000548.5 (MANE Select); coding-DNA position 3599, G replaced by A.
Protein change: p.Arg1200Gln; replaces arginine 1200 with glutamine.
Molecular consequence: missense variant.
Genome position (GRCh38, 1-based): chr16:2,080,366, G>A. VCF-style: chr16-2080366-G-A. GRCh37 (hg19) VCF-style: chr16-2130367-G-A.
Other names: c.3500G>A, p.Arg1167Gln (NM_001318832.2); c.3470G>A, p.Arg1157Gln (NM_001363528.2, NM_001370405.1, NM_021055.3); c.3467G>A, p.Arg1156Gln (NM_001370404.1, NM_001077183.3); c.3599G>A, p.Arg1200Gln (NM_001114382.3); c.3359G>A, p.Arg1120Gln (NM_001318827.2); c.3323G>A, p.Arg1108Gln (NM_001318829.2); c.2867G>A, p.Arg956Gln (NM_001318831.2); short protein forms R1200Q, R1108Q, R1120Q, R1156Q, R1157Q, R956Q, R1167Q.
Identifiers: ClinVar variation 388628 (VCV000388628.20), dbSNP rs397515225, ClinGen allele CA16606944.
Genomic context (GRCh38, chr16:2,080,366, plus strand): 5'-AGACGAACCTGGCGGCCTATGTGCCCCTGCTGACCCAGGGCTGGGCGGAGATCCTGGTCC[G>A]GAGGCCCACAGGTACTGGGCGGGGCTGGCCTGAGCGCCATCTTTCTGCCAGTCACCCACA-3'
Protein context (NP_000539.2, residues 1190-1210): LTQGWAEILV[Arg1200Gln]RPTGNTSWLM

ClinVar aggregate classification (germline): Uncertain significance. Review status: criteria provided, multiple submitters, no conflicts (2 of 4 stars). 7 submissions from 7 submitters: Uncertain significance (7). Last evaluated 2025-02-19.

Conditions:
Hereditary cancer-predisposing syndrome. Also called: Neoplastic Syndromes, Hereditary; Hereditary neoplastic syndrome; Tumor predisposition; Hereditary Cancer Syndrome. Identifiers: Orphanet 140162, MedGen C0027672, MeSH D009386, MONDO:0015356.
Lymphangiomyomatosis (LAM). Also called: Lymphangioleiomyomatosis, somatic; Lymphangioleiomyomatosis. Identifiers: Orphanet 538, MedGen C0751674, MONDO:0011705, OMIM 606690.
Tuberous sclerosis 2 (TSC2). Identifiers: Orphanet 805, MedGen C1860707, MONDO:0013199, OMIM 613254.
Isolated focal cortical dysplasia type II (FCORD2). Also called: CORTICAL DYSPLASIA OF TAYLOR; Focal cortical dysplasia type II. Identifiers: Orphanet 268994, MedGen C1846385, MONDO:0011818, OMIM 607341, HP:0032051.

Allele frequency attached by ClinVar (database versions not stated): gnomAD exomes below 0.00001; TOPMed below 0.00001.
gnomAD v4.1: 6 of 1,611,728 alleles (0.00037%); highest among the groups gnomAD compares: African/African-American, 0.0013%; no homozygotes.

Submissions (7):

Labcorp Genetics (formerly Invitae), Labcorp
Classification: Uncertain significance for Tuberous sclerosis 2. Last evaluated: 2025-02-19. Review status: criteria provided, single submitter. Criteria: Invitae Variant Classification Sherloc (09022015). Collection method: clinical testing. Allele origin: germline.
Comment: This sequence change replaces arginine, which is basic and polar, with glutamine, which is neutral and polar, at codon 1200 of the TSC2 protein (p.Arg1200Gln). This variant is present in population databases (no rsID available, gnomAD 0.0009%). This missense change has been observed in at least one individual who was not affected with TSC2-related conditions (internal data). ClinVar contains an entry for this variant (Variation ID: 388628). Invitae Evidence Modeling of protein sequence and biophysical properties (such as structural, functional, and spatial information, amino acid conservation, physicochemical variation, residue mobility, and thermodynamic stability) indicates that this missense variant is not expected to disrupt TSC2 protein function with a negative predictive value of 95%. This variant disrupts the p.Arg1200 amino acid residue in TSC2. Other variant(s) that disrupt this residue have been determined to be pathogenic (PMID: 8824881, 9463313, 18792920, 21332470, 22867869, 25039834, 28149746, 29308833; internal data). This suggests that this residue is clinically significant, and that variants that disrupt this residue are likely to be disease-causing. In summary, the available evidence is currently insufficient to determine the role of this variant in disease. Therefore, it has been classified as a Variant of Uncertain Significance.

Fulgent Genetics
Classification: Uncertain significance for Lymphangiomyomatosis; Isolated focal cortical dysplasia type II; Tuberous sclerosis 2. Last evaluated: 2024-06-10. Review status: criteria provided, single submitter. Criteria: ACMG Guidelines, 2015. Collection method: clinical testing. Allele origin: germline.

Ambry Genetics
Classification: Uncertain significance for Hereditary cancer-predisposing syndrome. Last evaluated: 2024-03-25. Review status: criteria provided, single submitter. Criteria: Ambry Variant Classification Scheme 2023. Collection method: clinical testing. Allele origin: germline.
Comment: The p.R1200Q variant (also known as c.3599G>A), located in coding exon 29 of the TSC2 gene, results from a G to A substitution at nucleotide position 3599. The arginine at codon 1200 is replaced by glutamine, an amino acid with highly similar properties. This amino acid position is highly conserved in available vertebrate species. In addition, this alteration is predicted to be deleterious by in silico analysis. Based on the available evidence, the clinical significance of this alteration remains unclear.

GeneDx
Classification: Uncertain significance. Last evaluated: 2023-01-10. Review status: criteria provided, single submitter. Criteria: GeneDx Variant Classification Process June 2021. Collection method: clinical testing. Allele origin: germline. Affected: yes.
Comment: In silico analysis supports that this missense variant has a deleterious effect on protein structure/function; Observed in an individual reported to have tuberous sclerosis complex (Ding et al., 2021); This variant is associated with the following publications: (PMID: 34252879)

Laboratorio de Genetica e Diagnostico Molecular, Hospital Israelita Albert Einstein
Classification: Uncertain significance for Tuberous sclerosis 2. Last evaluated: 2022-09-02. Review status: criteria provided, single submitter. Criteria: ACMG Guidelines, 2015. Collection method: clinical testing. Allele origin: germline. Affected: yes. Observed: 1 variant allele.
Comment: ACMG classification criteria: PM2 supporting, PM5 moderated, PP3 supporting

Genome-Nilou Lab
Classification: Uncertain significance for Tuberous sclerosis 2. Last evaluated: 2021-11-07. Review status: criteria provided, single submitter. Criteria: ACMG Guidelines, 2015. Collection method: clinical testing. Allele origin: germline. Affected: no.

Sema4
Classification: Uncertain significance for Hereditary cancer-predisposing syndrome. Last evaluated: 2021-10-04. Review status: criteria provided, single submitter. Criteria: Sema4 Curation Guidelines. Collection method: curation. Allele origin: germline.
Comment: The TSC2 c.3599G>A (p.R1200Q) variant has not been reported in the literature to our knowledge. It was not observed in the large and broad cohorts of the Genome Aggregation Database. The variant has been reported in ClinVar (Variation ID: 388628). In silico tools suggest the impact of the variant on protein function is deleterious, though these predictions have not been confirmed by functional studies. The evidence is insufficient to meet ACMG/AMP criteria for classifying the variant as benign or pathogenic. Thus, the clinical significance of this variant is currently uncertain.

Literature cited by the submitters: PubMed 8824881 (cited by Labcorp Genetics (formerly Invitae), Labcorp); PubMed 9463313 (cited by Labcorp Genetics (formerly Invitae), Labcorp); PubMed 18792920 (cited by Labcorp Genetics (formerly Invitae), Labcorp); PubMed 21332470 (cited by Labcorp Genetics (formerly Invitae), Labcorp); PubMed 22867869 (cited by Labcorp Genetics (formerly Invitae), Labcorp); PubMed 25039834 (cited by Labcorp Genetics (formerly Invitae), Labcorp); PubMed 28149746 (cited by Labcorp Genetics (formerly Invitae), Labcorp); PubMed 29308833 (cited by Labcorp Genetics (formerly Invitae), Labcorp).